The following is an entry in ClinVar:

ClinVar aggregate classification (germline): Benign/Likely benign. Review status: criteria provided, multiple submitters, no conflicts (2 of 4 stars). 14 submissions from 14 submitters: Benign (4); Likely benign (7). 3 of the submissions do not count toward it. Last evaluated 2026-02-03.

Conditions:
Classic or attenuated familial adenomatous polyposis. Identifiers: MedGen CN372698, MONDO:0021057.
Hereditary cancer-predisposing syndrome. Also called: Tumor predisposition; Hereditary neoplastic syndrome; Hereditary Cancer Syndrome; Neoplastic Syndromes, Hereditary. Identifiers: Orphanet 140162, MedGen C0027672, MeSH D009386, MONDO:0015356.
Familial adenomatous polyposis 1 (FAP1). Also called: POLYPOSIS, ADENOMATOUS INTESTINAL; FAMILIAL ADENOMATOUS POLYPOSIS 1, ATTENUATED. Identifiers: MedGen C2713442, MONDO:0021056, OMIM 175100. Disease mechanism: loss of function.

Allele frequency attached by ClinVar (database versions not stated): gnomAD exomes 0.00008; ExAC 0.00009; TOPMed 0.00014; ESP Exome Variant Server 0.00015.
gnomAD v4.1: 239 of 1,613,936 alleles (0.015%); highest among the groups gnomAD compares: Non-Finnish European, 0.019%; 1 homozygote.

Submissions (14):

Labcorp Genetics (formerly Invitae), Labcorp
Classification: Likely benign for Familial adenomatous polyposis 1. Last evaluated: 2026-02-03. Review status: criteria provided, single submitter. Criteria: Invitae Variant Classification Sherloc (09022015). Collection method: clinical testing. Allele origin: germline.

Blueprint Genetics
Classification: Likely benign. Last evaluated: 2024-11-25. Review status: criteria provided, single submitter. Criteria: ACMG Guidelines, 2015. Collection method: clinical testing. Allele origin: germline.

Myriad Genetics, Inc.
Classification: Benign for Familial adenomatous polyposis 1. Last evaluated: 2024-03-26. Review status: criteria provided, single submitter. Criteria: Myriad Autosomal Dominant, Autosomal Recessive and X-Linked Classification Criteria (2023). Collection method: clinical testing. Allele origin: unknown.
Comment: This variant is considered benign. This variant is a silent/synonymous amino acid change and it is not expected to impact splicing.

All of Us Research Program, National Institutes of Health
Classification: Likely benign for Classic or attenuated familial adenomatous polyposis. Last evaluated: 2024-02-05. Review status: criteria provided, single submitter. Criteria: ACMG Guidelines, 2015. Collection method: clinical testing. Allele origin: germline. Inheritance: Autosomal dominant inheritance. Observed: 27 variant alleles, 27 heterozygotes.
Comment: This study involves interpretation of variants in research participants for the purpose of population health screening. Participant phenotype was not available at the time of variant classification. Additional details can be found in publication PMID: 35346344, PMCID: PMC8962531

CeGaT Center for Human Genetics Tuebingen
Classification: Likely benign. Last evaluated: 2022-03-01. Review status: criteria provided, single submitter. Criteria: CeGaT Center For Human Genetics Tuebingen Variant Classification Criteria Version 2. Collection method: clinical testing. Allele origin: germline. Affected: yes. Observed: 1 variant allele.
Comment: APC: BP4, BP7

Sema4
Classification: Likely benign for Hereditary cancer-predisposing syndrome. Last evaluated: 2020-10-06. Review status: criteria provided, single submitter. Criteria: Sema4 Curation Guidelines. Collection method: curation. Allele origin: germline.

Quest Diagnostics Nichols Institute San Juan Capistrano
Classification: Benign. Last evaluated: 2019-09-05. Review status: criteria provided, single submitter. Criteria: Quest Diagnostics criteria. Collection method: clinical testing. Allele origin: unknown.

Women's Health and Genetics/Laboratory Corporation of America, LabCorp
Classification: Benign. Last evaluated: 2017-01-03. Review status: criteria provided, single submitter. Criteria: LabCorp Variant Classification Summary - May 2015. Collection method: clinical testing. Allele origin: germline.
Comment: Variant summary: The APC c.4212C>A (p.Ser1404Ser) variant causes a synonymous change involving a non-conserved nucleotide, 4/5 splice prediction tools predict no significant impact on normal splicing and ESE finder predicts alterations to ESE binding, although these predictions have yet to be functionally assessed. The variant of interest has been observed in the large, broad control population, ExAC, with an allele frequency of 11/121300 (1/11025), which exceeds the estimated maximal expected allele frequency for a pathogenic APC variant of 1/14005, therefore, suggesting this variant is likely a benign polymorphism. In addition, multiple clinical diagnostic laboratories classified this variant as likely benign. The variant of interest has not, to our knowledge, been reported in affected individuals via publications. Therefore, the variant of interest has been classified as Benign.

Color Diagnostics, LLC DBA Color Health
Classification: Likely benign for Hereditary cancer-predisposing syndrome. Last evaluated: 2016-06-15. Review status: criteria provided, single submitter. Criteria: ACMG Guidelines, 2015. Collection method: clinical testing. Allele origin: germline.

GeneDx
Classification: Benign. Last evaluated: 2015-03-03. Review status: criteria provided, single submitter. Criteria: GeneDx Variant Classification Process June 2021. Collection method: clinical testing. Allele origin: germline. Affected: yes.

Ambry Genetics
Classification: Likely benign for Hereditary cancer-predisposing syndrome. Last evaluated: 2014-09-25. Review status: criteria provided, single submitter. Criteria: Ambry Variant Classification Scheme 2023. Collection method: clinical testing. Allele origin: germline.

Clinical Genetics DNA and cytogenetics Diagnostics Lab, Erasmus MC, Erasmus Medical Center
Classification: Likely benign. Review status: no assertion criteria provided. Collection method: clinical testing. Allele origin: germline. Affected: yes. Study: VKGL Data-share Consensus. Not counted in ClinVar's aggregate classification.

Joint Genome Diagnostic Labs from Nijmegen and Maastricht, Radboudumc and MUMC+
Classification: Likely benign. Review status: no assertion criteria provided. Collection method: clinical testing. Allele origin: germline. Affected: yes. Study: VKGL Data-share Consensus. Not counted in ClinVar's aggregate classification.

Mayo Clinic Laboratories, Mayo Clinic
Classification: Likely benign. Review status: no assertion criteria provided. Collection method: clinical testing. Allele origin: unknown. Not counted in ClinVar's aggregate classification.

NM_000038.6(APC):c.4212C>A (p.Ser1404=)

Gene: APC (APC regulator of Wnt signaling pathway; plus strand). Cytogenetic location: 5q22.2.
Variant type: single nucleotide variant.
Coding change: c.4212C>A on transcript NM_000038.6 (MANE Select); coding-DNA position 4212, C replaced by A.
Protein change: p.Ser1404=; no amino-acid change (serine 1404 retained).
Molecular consequence: synonymous variant.
Genome position (GRCh38, 1-based): chr5:112,839,806, C>A. VCF-style: chr5-112839806-C-A. GRCh37 (hg19) VCF-style: chr5-112175503-C-A.
Other names: c.4212C>A, p.Ser1404= (NM_001127510.3, NM_001354895.2); c.4158C>A, p.Ser1386= (NM_001127511.3); c.4266C>A, p.Ser1422= (NM_001354896.2); c.4242C>A, p.Ser1414= (NM_001354897.2); c.4137C>A, p.Ser1379= (NM_001354898.2); c.4128C>A, p.Ser1376= (NM_001354899.2); c.4089C>A, p.Ser1363= (NM_001354900.2); c.4035C>A, p.Ser1345= (NM_001354901.2); and 5 more.
Identifiers: ClinVar variation 135700 (VCV000135700.55), dbSNP rs144655979, ClinGen allele CA008959.